The following is an entry in ClinVar:

ClinVar aggregate classification (germline): Pathogenic/Likely pathogenic. Review status: criteria provided, multiple submitters, no conflicts (2 of 4 stars). 4 submissions from 4 submitters: Pathogenic (3); Likely pathogenic (1). Last evaluated 2025-05-22.

Conditions:
Autosomal recessive limb-girdle muscular dystrophy type 2L (LGMDR12). Also called: MUSCULAR DYSTROPHY, LIMB-GIRDLE, AUTOSOMAL RECESSIVE 12; Limb-girdle muscular dystrophy, type 2L; Limb-Girdle Muscular Dystrophy R12 Anoctamin-5-Related (LGMD-R12). Identifiers: Orphanet 206549, MedGen C1969785, MONDO:0012652, OMIM 611307.
Gnathodiaphyseal dysplasia (GDD). Also called: OSTEOGENESIS IMPERFECTA WITH UNUSUAL SKELETAL LESIONS; GNATHODIAPHYSEAL SCLEROSIS. Identifiers: Orphanet 53697, MedGen C1833736, MONDO:0008151, OMIM 166260.

Allele frequency attached by ClinVar (database versions not stated): gnomAD exomes below 0.00001 and 0.00001; ExAC 0.00001; gnomAD 0.00001.
gnomAD v4.1: 4 of 1,613,392 alleles (0.00025%); highest among the groups gnomAD compares: Non-Finnish European, 0.00034%; no homozygotes.

Submissions (4):

Labcorp Genetics (formerly Invitae), Labcorp
Classification: Pathogenic for Autosomal recessive limb-girdle muscular dystrophy type 2L; Gnathodiaphyseal dysplasia. Last evaluated: 2025-05-22. Review status: criteria provided, single submitter. Criteria: Invitae Variant Classification Sherloc (09022015). Collection method: clinical testing. Allele origin: germline.
Comment: This sequence change creates a premature translational stop signal (p.Ser782*) in the ANO5 gene. It is expected to result in an absent or disrupted protein product. Loss-of-function variants in ANO5 are known to be pathogenic (PMID: 21186264, 23606453, 25891276, 30919934). This variant is present in population databases (rs753138577, gnomAD 0.002%). This variant has not been reported in the literature in individuals affected with ANO5-related conditions. ClinVar contains an entry for this variant (Variation ID: 502370). Algorithms developed to predict the effect of sequence changes on RNA splicing suggest that this variant may disrupt the consensus splice site. For these reasons, this variant has been classified as Pathogenic.

CeGaT Center for Human Genetics Tuebingen
Classification: Pathogenic. Last evaluated: 2023-10-01. Review status: criteria provided, single submitter. Criteria: CeGaT Center For Human Genetics Tuebingen Variant Classification Criteria Version 2. Collection method: clinical testing. Allele origin: germline. Affected: yes. Observed: 1 variant allele.
Comment: ANO5: PVS1, PM2

Revvity Omics, Revvity
Classification: Likely pathogenic. Last evaluated: 2021-04-16. Review status: criteria provided, single submitter. Criteria: ACMG Guidelines, 2015. Collection method: clinical testing. Allele origin: germline.

Eurofins Ntd Llc (ga)
Classification: Pathogenic. Last evaluated: 2017-06-07. Review status: criteria provided, single submitter. Criteria: EGL Classification Definitions 2015. Collection method: clinical testing. Allele origin: germline. Observed: 1 variant allele, 1 heterozygote.

Literature cited by the submitters: PubMed 21186264 (cited by Labcorp Genetics (formerly Invitae), Labcorp); PubMed 23606453 (cited by Labcorp Genetics (formerly Invitae), Labcorp); PubMed 25891276 (cited by Labcorp Genetics (formerly Invitae), Labcorp); PubMed 30919934 (cited by Labcorp Genetics (formerly Invitae), Labcorp).

NM_213599.3(ANO5):c.2345C>G (p.Ser782Ter)

Gene: ANO5 (anoctamin 5; plus strand). Cytogenetic location: 11p14.3.
Variant type: single nucleotide variant.
Coding change: c.2345C>G on transcript NM_213599.3 (MANE Select); coding-DNA position 2345, C replaced by G.
Protein change: p.Ser782Ter; replaces serine 782 with a stop codon.
Molecular consequence: nonsense.
Genome position (GRCh38, 1-based): chr11:22,274,678, C>G. VCF-style: chr11-22274678-C-G. GRCh37 (hg19) VCF-style: chr11-22296224-C-G.
Other names: c.2342C>G, p.Ser781Ter (NM_001142649.2); short protein forms S782*, S781*.
Identifiers: ClinVar variation 502370 (VCV000502370.36), dbSNP rs753138577, ClinGen allele CA5923526.